The following is an entry in ClinVar:

ClinVar aggregate classification (germline): Uncertain significance (1 of 4 stars; one submission).

Conditions:
Dilated cardiomyopathy 1J (CMD1J). Also called: CARDIOMYOPATHY, DILATED, WITH SENSORINEURAL HEARING LOSS, AUTOSOMAL DOMINANT. Identifiers: Orphanet 217622, MedGen C1854368, MONDO:0011541, OMIM 605362.

Allele frequency attached by ClinVar (database versions not stated): gnomAD exomes below 0.00001.
gnomAD v4.1: 1 of 1,609,476 alleles (0.000062%); highest among the groups gnomAD compares: Non-Finnish European, 0.000085%; no homozygotes.

Submission:

Labcorp Genetics (formerly Invitae), Labcorp
Classification: Uncertain significance for Dilated cardiomyopathy 1J. Last evaluated: 2020-12-18. Review status: criteria provided, single submitter. Criteria: Invitae Variant Classification Sherloc (09022015). Collection method: clinical testing. Allele origin: germline.
Comment: This variant has not been reported in the literature in individuals with EYA4-related conditions. This sequence change replaces lysine with arginine at codon 146 of the EYA4 protein (p.Lys146Arg). The lysine residue is highly conserved and there is a small physicochemical difference between lysine and arginine. This variant is not present in population databases (ExAC no frequency). Algorithms developed to predict the effect of missense changes on protein structure and function are either unavailable or do not agree on the potential impact of this missense change (SIFT: "Deleterious"; PolyPhen-2: "Benign"; Align-GVGD: "Class C0"). Algorithms developed to predict the effect of sequence changes on RNA splicing suggest that this variant may create or strengthen a splice site, but this prediction has not been confirmed by published transcriptional studies. In summary, the available evidence is currently insufficient to determine the role of this variant in disease. Therefore, it has been classified as a Variant of Uncertain Significance.

NM_004100.5(EYA4):c.437A>G (p.Lys146Arg)

Gene: EYA4 (EYA transcriptional coactivator and phosphatase 4; plus strand). Cytogenetic location: 6q23.2.
Variant type: single nucleotide variant.
Coding change: c.437A>G on transcript NM_004100.5 (MANE Select); coding-DNA position 437, A replaced by G.
Protein change: p.Lys146Arg; replaces lysine 146 with arginine.
Molecular consequence: missense variant.
Genome position (GRCh38, 1-based): chr6:133,461,180, A>G. VCF-style: chr6-133461180-A-G. GRCh37 (hg19) VCF-style: chr6-133782318-A-G.
Other names: c.275A>G, p.Lys92Arg (NM_001301012.2, NM_001370459.1); c.437A>G, p.Lys146Arg (NM_001301013.2, NM_172105.4); c.368A>G, p.Lys123Arg (NM_001370458.1, NM_172103.4); short protein forms K92R, K123R, K146R.
Identifiers: ClinVar variation 1493179 (VCV001493179.8), dbSNP rs2128655388, ClinGen allele CA365696250.